The following is an entry in ClinVar:

NM_015272.5(RPGRIP1L):c.1880A>C (p.Lys627Thr)

Gene: RPGRIP1L (RPGRIP1 like; minus strand). Cytogenetic location: 16q12.2.
Variant type: single nucleotide variant.
Coding change: c.1880A>C on transcript NM_015272.5 (MANE Select); coding-DNA position 1880, A replaced by C.
Protein change: p.Lys627Thr; replaces lysine 627 with threonine.
Molecular consequence: missense variant.
Genome position (GRCh38, 1-based): chr16:53,652,807, T>G on the plus strand (A>C on the coding strand, the complement: RPGRIP1L is on the minus strand). VCF-style: chr16-53652807-T-G. GRCh37 (hg19) VCF-style: chr16-53686719-T-G.
Other names: c.1880A>C, p.Lys627Thr (NM_001127897.4, NM_001308334.3, NM_001330538.2); c.1880A>C (NM_015272.4); short protein forms K627T.
Identifiers: ClinVar variation 967617 (VCV000967617.11), dbSNP rs377035693, ClinGen allele CA8057681.

ClinVar aggregate classification (germline): Uncertain significance. Review status: criteria provided, multiple submitters, no conflicts (2 of 4 stars). 6 submissions from 6 submitters: Uncertain significance (5). 1 of the submissions does not count toward it. Last evaluated 2026-07-17.

Conditions:
RPGRIP1L-related disorder. Also called: RPGRIP1L-related condition; RPGRIP1L-related disorders. Identifiers: MedGen CN239416.
Inborn genetic diseases. Identifiers: MedGen C0950123, MeSH D030342.
Meckel-Gruber syndrome. Also called: GRUBER SYNDROME; Dysencephalia splachnocystica; DYSENCEPHALIA SPLANCHNOCYSTICA. Identifiers: Orphanet 564, MedGen C0265215, MONDO:0018921.
Joubert syndrome. Also called: Familial aplasia of the vermis; JOUBERT-BOLTSHAUSER SYNDROME. Identifiers: Orphanet 475, MedGen C5979921, MONDO:0018772.
Kidney disorder. Also called: renal disease; renal disorder; Nephropathy; Kidney disease; Kidney Diseases. Identifiers: MedGen C0022658, MONDO:0005240, HP:0000112.

Allele frequency attached by ClinVar (database versions not stated): gnomAD exomes below 0.00001 and 0.00003; gnomAD 0.00002; TOPMed 0.00002; ExAC 0.00004; ESP Exome Variant Server 0.00008.
gnomAD v4.1: 25 of 1,614,010 alleles (0.0015%); highest among the groups gnomAD compares: East Asian, 0.0045%; 1 homozygote.

Submissions (6):

PreventionGenetics, part of Exact Sciences
Classification: Uncertain significance for RPGRIP1L-related condition. Last evaluated: 2026-07-17. Review status: criteria provided, single submitter. Criteria: ACMG Guidelines, 2015. Collection method: clinical testing. Allele origin: germline.
Comment: The RPGRIP1L c.1880A>C variant is predicted to result in the amino acid substitution p.Lys627Thr. To our knowledge, this variant has not been reported in the literature. This variant is reported in 0.016% of alleles in individuals of African descent in gnomAD. At this time, the clinical significance of this variant is uncertain due to the absence of conclusive functional and genetic evidence.

Blueprint Genetics
Classification: Uncertain significance. Last evaluated: 2024-06-18. Review status: criteria provided, single submitter. Criteria: ACMG Guidelines, 2015. Collection method: clinical testing. Allele origin: germline.

Labcorp Genetics (formerly Invitae), Labcorp
Classification: Uncertain significance for Joubert syndrome; Meckel-Gruber syndrome. Last evaluated: 2022-08-22. Review status: criteria provided, single submitter. Criteria: Invitae Variant Classification Sherloc (09022015). Collection method: clinical testing. Allele origin: germline.
Comment: This sequence change replaces lysine, which is basic and polar, with threonine, which is neutral and polar, at codon 627 of the RPGRIP1L protein (p.Lys627Thr). This variant is present in population databases (rs377035693, gnomAD 0.02%). This variant has not been reported in the literature in individuals affected with RPGRIP1L-related conditions. ClinVar contains an entry for this variant (Variation ID: 967617). Algorithms developed to predict the effect of missense changes on protein structure and function (SIFT, PolyPhen-2, Align-GVGD) all suggest that this variant is likely to be tolerated. In summary, the available evidence is currently insufficient to determine the role of this variant in disease. Therefore, it has been classified as a Variant of Uncertain Significance.

Ambry Genetics
Classification: Uncertain significance for Inborn genetic diseases. Last evaluated: 2021-10-06. Review status: criteria provided, single submitter. Criteria: Ambry Variant Classification Scheme 2023. Collection method: clinical testing. Allele origin: germline.

Genome Diagnostics Laboratory, The Hospital for Sick Children
Classification: Uncertain significance for Kidney disorder. Last evaluated: 2016-12-12. Review status: criteria provided, single submitter. Criteria: ACMG Guidelines, 2015. Collection method: clinical testing. Allele origin: germline.

Natera, Inc.
Classification: Uncertain significance for Joubert syndrome. Last evaluated: 2020-04-24. Review status: no assertion criteria provided. Collection method: clinical testing. Allele origin: germline. Not counted in ClinVar's aggregate classification.